The following is an entry in ClinVar:

ClinVar aggregate classification (germline): Uncertain significance. Review status: criteria provided, multiple submitters, no conflicts (2 of 4 stars). 2 submissions from 2 submitters: Uncertain significance (2). Last evaluated 2025-08-04.

Conditions:
MYO18B-related disorder. Also called: MYO18B-related condition.

Allele frequency attached by ClinVar (database versions not stated): gnomAD exomes below 0.00001; gnomAD 0.00003.
gnomAD v4.1: 10 of 1,601,406 alleles (0.00062%); highest among the groups gnomAD compares: African/African-American, 0.0067%; no homozygotes.

Submissions (2):

PreventionGenetics, part of Exact Sciences
Classification: Uncertain significance for MYO18B-related condition. Last evaluated: 2025-08-04. Review status: criteria provided, single submitter. Criteria: ACMG Guidelines, 2015. Collection method: clinical testing. Allele origin: germline.
Comment: The MYO18B c.6821A>T variant is predicted to result in the amino acid substitution p.Asp2274Val. To our knowledge, this variant has not been reported in the literature. This variant is reported in 0.0032% of alleles in individuals of Latino descent in gnomAD. At this time, the clinical significance of this variant is uncertain due to the absence of conclusive functional and genetic evidence.

Labcorp Genetics (formerly Invitae), Labcorp
Classification: Uncertain significance. Last evaluated: 2022-07-09. Review status: criteria provided, single submitter. Criteria: Invitae Variant Classification Sherloc (09022015). Collection method: clinical testing. Allele origin: germline.
Comment: Algorithms developed to predict the effect of missense changes on protein structure and function are either unavailable or do not agree on the potential impact of this missense change (SIFT: "Not Available"; PolyPhen-2: "Probably Damaging"; Align-GVGD: "Not Available"). This sequence change replaces aspartic acid, which is acidic and polar, with valine, which is neutral and non-polar, at codon 2274 of the MYO18B protein (p.Asp2274Val). This variant is present in population databases (rs775726545, gnomAD 0.003%). This variant has not been reported in the literature in individuals affected with MYO18B-related conditions. In summary, the available evidence is currently insufficient to determine the role of this variant in disease. Therefore, it has been classified as a Variant of Uncertain Significance.

NM_032608.7(MYO18B):c.6821A>T (p.Asp2274Val)

Gene: MYO18B (myosin XVIIIB; plus strand). Cytogenetic location: 22q12.1.
Variant type: single nucleotide variant.
Coding change: c.6821A>T on transcript NM_032608.7 (MANE Select); coding-DNA position 6821, A replaced by T.
Protein change: p.Asp2274Val; replaces aspartic acid 2274 with valine.
Molecular consequence: missense variant.
Genome position (GRCh38, 1-based): chr22:26,026,795, A>T. VCF-style: chr22-26026795-A-T. GRCh37 (hg19) VCF-style: chr22-26422761-A-T.
Other names: c.6821A>T (NM_032608.6); c.6824A>T, p.Asp2275Val (NM_001318245.2); short protein forms D2275V, D2274V.
Identifiers: ClinVar variation 1915038 (VCV001915038.5), dbSNP rs775726545, ClinGen allele CA10161620.